The following is an entry in ClinVar:

ClinVar aggregate classification (germline): Uncertain significance (1 of 4 stars; one submission).

Conditions:
Cornelia de Lange syndrome 3 (CDLS3). Also called: SMC3-Related Cornelia de Lange Syndrome; CORNELIA DE LANGE SYNDROME 3 WITH OR WITHOUT MIDLINE BRAIN DEFECTS. Identifiers: Orphanet 199, MedGen C1853099, MONDO:0012555, OMIM 610759.

Allele frequency attached by ClinVar (database versions not stated): gnomAD exomes below 0.00001; TOPMed 0.00002; gnomAD 0.00003; ExAC 0.00005; ESP Exome Variant Server 0.00008.
gnomAD v4.1: 5 of 1,603,174 alleles (0.00031%); highest among the groups gnomAD compares: Middle Eastern, 0.017%; no homozygotes.

Submissions (2):

Labcorp Genetics (formerly Invitae), Labcorp
Classification: Uncertain significance for Cornelia de Lange syndrome 3. Last evaluated: 2026-02-03. Review status: criteria provided, single submitter. Criteria: Invitae Variant Classification Sherloc (09022015). Collection method: clinical testing. Allele origin: germline.
Comment: This sequence change falls in intron 6 of the SMC3 gene. It does not directly change the encoded amino acid sequence of the SMC3 protein. This variant is present in population databases (rs373545953, gnomAD 0.01%). This variant has not been reported in the literature in individuals affected with SMC3-related conditions. ClinVar contains an entry for this variant (Variation ID: 2140317). Algorithms developed to predict the effect of sequence changes on RNA splicing suggest that this variant may disrupt the consensus splice site. In summary, the available evidence is currently insufficient to determine the role of this variant in disease. Therefore, it has been classified as a Variant of Uncertain Significance.

Dr. Peter K. Rogan Lab, Western University
No classification provided (evidence only). Condition: Lung cancer. Review status: no classification provided. Collection method: in vitro. Allele origin: not applicable. Functional consequence: retained intron. Not counted in ClinVar's aggregate classification.

NM_005445.4(SMC3):c.351-4A>G

Gene: SMC3 (structural maintenance of chromosomes 3; plus strand). Cytogenetic location: 10q25.2.
Variant type: single nucleotide variant.
Coding change: c.351-4A>G on transcript NM_005445.4 (MANE Select); 4 bases into the intron before coding-DNA position 351, A replaced by G.
Molecular consequence: intron variant.
Genome position (GRCh38, 1-based): chr10:110,578,624, A>G. VCF-style: chr10-110578624-A-G. GRCh37 (hg19) VCF-style: chr10-112338382-A-G.
Identifiers: ClinVar variation 2140317 (VCV002140317.5), dbSNP rs373545953, ClinGen allele CA5687726.